The following is an entry in ClinVar:

NM_006939.4(SOS2):c.533A>C (p.Gln178Pro)

Gene: SOS2 (SOS Ras/Rho guanine nucleotide exchange factor 2; minus strand). Cytogenetic location: 14q21.3.
Variant type: single nucleotide variant.
Coding change: c.533A>C on transcript NM_006939.4 (MANE Select); coding-DNA position 533, A replaced by C.
Protein change: p.Gln178Pro; replaces glutamine 178 with proline.
Molecular consequence: missense variant.
Genome position (GRCh38, 1-based): chr14:50,188,678, T>G on the plus strand (A>C on the coding strand, the complement: SOS2 is on the minus strand). VCF-style: chr14-50188678-T-G. GRCh37 (hg19) VCF-style: chr14-50655396-T-G.
Other names: short protein forms Q178P.
Identifiers: ClinVar variation 542402 (VCV000542402.11), dbSNP rs1273376869, ClinGen allele CA389648322.

ClinVar aggregate classification (germline): Uncertain significance. Review status: criteria provided, multiple submitters, no conflicts (2 of 4 stars). 2 submissions from 2 submitters: Uncertain significance (2). Last evaluated 2024-10-07.

Conditions:
Noonan syndrome 9 (NS9). Identifiers: Orphanet 648, MedGen C4225282, MONDO:0014691, OMIM 616559.
Cardiovascular phenotype. Identifiers: MedGen CN230736.

Allele frequency attached by ClinVar (database versions not stated): TOPMed below 0.00001; gnomAD 0.00001.
gnomAD v4.1: 1 of 1,598,464 alleles (0.000063%); highest among the groups gnomAD compares: Non-Finnish European, 0.000085%; no homozygotes.

Submissions (2):

Ambry Genetics
Classification: Uncertain significance for Cardiovascular phenotype. Last evaluated: 2024-10-07. Review status: criteria provided, single submitter. Criteria: Ambry Variant Classification Scheme 2023. Collection method: clinical testing. Allele origin: germline.

Labcorp Genetics (formerly Invitae), Labcorp
Classification: Uncertain significance for Noonan syndrome 9. Last evaluated: 2023-07-08. Review status: criteria provided, single submitter. Criteria: Invitae Variant Classification Sherloc (09022015). Collection method: clinical testing. Allele origin: germline.
Comment: This sequence change replaces glutamine, which is neutral and polar, with proline, which is neutral and non-polar, at codon 178 of the SOS2 protein (p.Gln178Pro). This variant is not present in population databases (gnomAD no frequency). This variant has not been reported in the literature in individuals affected with SOS2-related conditions. ClinVar contains an entry for this variant (Variation ID: 542402). Advanced modeling of protein sequence and biophysical properties (such as structural, functional, and spatial information, amino acid conservation, physicochemical variation, residue mobility, and thermodynamic stability) performed at Invitae indicates that this missense variant is not expected to disrupt SOS2 protein function. In summary, the available evidence is currently insufficient to determine the role of this variant in disease. Therefore, it has been classified as a Variant of Uncertain Significance.